The following is an entry in ClinVar:

NM_020778.5(ALPK3):c.4496C>T (p.Pro1499Leu)

Gene: ALPK3 (alpha kinase 3; plus strand). Cytogenetic location: 15q25.3.
Variant type: single nucleotide variant.
Coding change: c.4496C>T on transcript NM_020778.5 (MANE Select); coding-DNA position 4496, C replaced by T.
Protein change: p.Pro1499Leu; replaces proline 1499 with leucine.
Molecular consequence: missense variant.
Genome position (GRCh38, 1-based): chr15:84,863,637, C>T. VCF-style: chr15-84863637-C-T. GRCh37 (hg19) VCF-style: chr15-85406868-C-T.
Other names: short protein forms P1499L.
Identifiers: ClinVar variation 1745361 (VCV001745361.6), dbSNP rs769603054, ClinGen allele CA7709987.
Genomic context (GRCh38, chr15:84,863,637, plus strand): 5'-GGGAGTACTGCAAAATCTTCGCAGCAGAAGCCCGGGCCGCGCCTGGCTTTGGGGAGGTGC[C>T]TGAGTAAGTACGCAGCGAGGAGGACGTGCAGTGTGCAGCACTGTTGCCTTGGGCTTCTGC-3'
Protein context (NP_065829.4, residues 1489-1509): ARAAPGFGEV[Pro1499Leu]EIIPLYLIYR

ClinVar aggregate classification (germline): Uncertain significance. Review status: criteria provided, multiple submitters, no conflicts (2 of 4 stars). 2 submissions from 2 submitters: Uncertain significance (2). Last evaluated 2026-07-30.

Conditions:
Cardiovascular phenotype. Identifiers: MedGen CN230736.

Allele frequency attached by ClinVar (database versions not stated): ExAC 0.00001; gnomAD exomes below 0.00001; TOPMed 0.00001; gnomAD 0.00001.

Submissions (2):

Ambry Genetics
Classification: Uncertain significance for Cardiovascular phenotype. Last evaluated: 2026-07-30. Review status: criteria provided, single submitter. Criteria: Ambry Variant Classification Scheme 2023. Collection method: clinical testing. Allele origin: germline.
Comment: The c.5102C>T (p.P1701L) alteration is located in exon 11 (coding exon 11) of the ALPK3 gene. This alteration results from a C to T substitution at nucleotide position 5102, causing the proline (P) at amino acid position 1701 to be replaced by a leucine (L). Based on data from gnomAD, the T allele has an overall frequency of <0.001% (1/250586) total alleles studied. The highest observed frequency was 0.001% (1/113310) of European (non-Finnish) alleles. Based on insufficient or conflicting evidence, the clinical significance of this alteration remains unclear.

Labcorp Genetics (formerly Invitae), Labcorp
Classification: Uncertain significance. Last evaluated: 2025-11-25. Review status: criteria provided, single submitter. Criteria: Invitae Variant Classification Sherloc (09022015). Collection method: clinical testing. Allele origin: germline.
Comment: This sequence change replaces proline, which is neutral and non-polar, with leucine, which is neutral and non-polar, at codon 1701 of the ALPK3 protein (p.Pro1701Leu). This variant is present in population databases (rs769603054, gnomAD 0.0009%). This variant has not been reported in the literature in individuals affected with ALPK3-related conditions. ClinVar contains an entry for this variant (Variation ID: 1745361). Invitae Evidence Modeling of protein sequence and biophysical properties (such as structural, functional, and spatial information, amino acid conservation, physicochemical variation, residue mobility, and thermodynamic stability) has been performed for this missense variant. However, the output from this modeling did not meet the statistical confidence thresholds required to predict the impact of this variant on ALPK3 protein function. In summary, the available evidence is currently insufficient to determine the role of this variant in disease. Therefore, it has been classified as a Variant of Uncertain Significance.